The following is an entry in ClinVar:

NM_201525.4(ADGRG1):c.900G>C (p.Gln300His)

Gene: ADGRG1 (adhesion G protein-coupled receptor G1; plus strand). Cytogenetic location: 16q21.
Variant type: single nucleotide variant.
Coding change: c.900G>C on transcript NM_201525.4 (MANE Select); coding-DNA position 900, G replaced by C.
Protein change: p.Gln300His; replaces glutamine 300 with histidine.
Molecular consequence: missense variant.
Genome position (GRCh38, 1-based): chr16:57,655,530, G>C. VCF-style: chr16-57655530-G-C. GRCh37 (hg19) VCF-style: chr16-57689442-G-C.
Other names: c.900G>C, p.Gln300His (NM_001145770.3, NM_001145771.3, NM_001145772.3 and 16 more transcripts); c.915G>C, p.Gln305His (NM_001145773.3, NM_001370433.1); c.390G>C, p.Gln130His (NM_001290142.2); c.375G>C, p.Gln125His (NM_001290143.2, NM_001290144.2, NM_001370451.1 and 2 more transcripts); c.744G>C, p.Gln248His (NM_001370442.1); short protein forms Q300H, Q248H, Q125H, Q130H, Q305H.
Identifiers: ClinVar variation 158639 (VCV000158639.7), dbSNP rs587783661, ClinGen allele CA271554.
Genomic context (GRCh38, chr16:57,655,530, plus strand): 5'-GAGCGGGGAGGCTGAGAAGAGACTCCTCCTGGTGGACTTCAGCAGCCAAGCCCTGTTCCA[G>C]GTATGGGGTCCTCACCCTCATGCCTCCCAGGAGAAAGCAGTTTTTTTCTGACAGAGGTGG-3'
Protein context (NP_958933.1, residues 290-310): LVDFSSQALF[Gln300His]DKNSSQVLGE

ClinVar aggregate classification (germline): Uncertain significance. Review status: criteria provided, multiple submitters, no conflicts (2 of 4 stars). 2 submissions from 2 submitters: Uncertain significance (2). Last evaluated 2025-12-12.

Conditions:
Bilateral frontoparietal polymicrogyria. Also called: CORTICAL DYSPLASIA, COMPLEX, WITH OTHER BRAIN MALFORMATIONS 14A (BILATERAL FRONTOPARIETAL); CEREBELLAR ATAXIA WITH NEURONAL MIGRATION DEFECT. Identifiers: Orphanet 101070, MedGen C1847352, MONDO:0011738, OMIM 606854.

Allele frequency attached by ClinVar (database versions not stated): gnomAD exomes below 0.00001.
gnomAD v4.1: 1 of 1,613,852 alleles (0.000062%); highest among the groups gnomAD compares: Non-Finnish European, 0.000085%; no homozygotes.

Submissions (2):

Women's Health and Genetics/Laboratory Corporation of America, LabCorp
Classification: Uncertain significance. Last evaluated: 2025-12-12. Review status: criteria provided, single submitter. Criteria: LabCorp Variant Classification Summary - May 2015. Collection method: clinical testing. Allele origin: germline.
Comment: Variant summary: ADGRG1 c.900G>C (p.Gln300His) results in a non-conservative amino acid change in the encoded protein sequence. Algorithms developed to predict the effect of missense changes on protein structure and function are either unavailable or do not agree on the potential impact of this missense change. Several computational tools predict a significant impact on normal splicing: Four predict the variant weakens a 5' donor site. However, these predictions have yet to be confirmed by functional studies. The variant allele was found at a frequency of 4e-06 in 251018 control chromosomes. The available data on variant occurrences in the general population are insufficient to allow any conclusion about variant significance. To our knowledge, no occurrence of c.900G>C in individuals affected with ADGRG1-related conditions and no experimental evidence demonstrating its impact on protein function have been reported. ClinVar contains an entry for this variant (Variation ID: 158639). Based on the evidence outlined above, the variant was classified as uncertain significance.

Genetic Services Laboratory, University of Chicago
Classification: Uncertain significance for Polymicrogyria, bilateral frontoparietal. Last evaluated: 2014-03-18. Review status: criteria provided, single submitter. Criteria: ACMG Guidelines, 2007. Collection method: clinical testing. Allele origin: germline. Inheritance: Autosomal recessive inheritance.